The following is an entry in ClinVar:

ClinVar aggregate classification (germline): Uncertain significance (1 of 4 stars; one submission).

Conditions:
Dilated cardiomyopathy 2B. Identifiers: Orphanet 154, MedGen C3553409, MONDO:0013848, OMIM 614672.

Allele frequency attached by ClinVar (database versions not stated): gnomAD exomes below 0.00001; TOPMed below 0.00001.

Submission:

Labcorp Genetics (formerly Invitae), Labcorp
Classification: Uncertain significance for Dilated cardiomyopathy 2B. Last evaluated: 2020-12-06. Review status: criteria provided, single submitter. Criteria: Invitae Variant Classification Sherloc (09022015). Collection method: clinical testing. Allele origin: germline.
Comment: In summary, the available evidence is currently insufficient to determine the role of this variant in disease. Therefore, it has been classified as a Variant of Uncertain Significance. Algorithms developed to predict the effect of missense changes on protein structure and function are either unavailable or do not agree on the potential impact of this missense change (SIFT: "Deleterious"; PolyPhen-2: "Benign"; Align-GVGD: "Class C0"). This variant has not been reported in the literature in individuals with GATAD1-related conditions. The frequency data for this variant in the population databases is considered unreliable, as metrics indicate insufficient coverage at this position in the ExAC database. This sequence change replaces methionine with isoleucine at codon 19 of the GATAD1 protein (p.Met19Ile). The methionine residue is highly conserved and there is a small physicochemical difference between methionine and isoleucine.

NM_021167.5(GATAD1):c.57G>A (p.Met19Ile)

Genes: GATAD1 (GATA zinc finger domain containing 1; plus strand), LOC129998793 (ATAC-STARR-seq lymphoblastoid silent region 18371; plus strand). Cytogenetic location: 7q21.2.
Variant type: single nucleotide variant.
Coding change: c.57G>A on transcript NM_021167.5 (MANE Select); coding-DNA position 57, G replaced by A.
Protein change: p.Met19Ile; replaces methionine 19 with isoleucine.
Molecular consequence: missense variant. On other transcripts: non-coding transcript variant (1).
Genome position (GRCh38, 1-based): chr7:92,447,786, G>A. VCF-style: chr7-92447786-G-A. GRCh37 (hg19) VCF-style: chr7-92077100-G-A.
Other names: short protein forms M19I.
Identifiers: ClinVar variation 1402048 (VCV001402048.8), dbSNP rs1789217100, ClinGen allele CA368154790.